The following is an entry in ClinVar:

ClinVar aggregate classification (germline): Uncertain significance (1 of 4 stars; one submission).

Conditions:
Leigh syndrome (NULS). Also called: Leigh's necrotizing encephalopathy; Leigh's disease; Leigh Syndrome (mtDNA deletion); Leigh Disease; Subacute necrotizing encephalopathy; Necrotizing encephalopathy infantile subacute of Leigh. Identifiers: Orphanet 506, MedGen C2931891, MONDO:0009723, OMIM 256000.

Submission:

Wong Mito Lab, Molecular and Human Genetics, Baylor College of Medicine
Classification: Uncertain significance for Leigh syndrome. Last evaluated: 2019-10-17. Review status: criteria provided, single submitter. Criteria: Modified ACMG Guidelines (Unpublished). Collection method: clinical testing. Allele origin: germline.
Comment: The NC_012920.1:m.6420C>A (YP_003024028.1:p.Pro173Thr) variant in MTCO1 gene is interpretated to be a Uncertain Significance variant based on the modified ACMG guidelines (unpublished). This variant meets the following evidence codes: PP4

NC_012920.1(MT-CO1):m.6420C>A

Gene: MT-CO1 (mitochondrially encoded cytochrome c oxidase I; plus strand).
Variant type: single nucleotide variant.
Genome position: chrM-6420-C-A.
Identifiers: ClinVar variation 692648 (VCV000692648.2), dbSNP rs1603220466, ClinGen allele CA414783866.